The following is an entry in ClinVar:

ClinVar aggregate classification (germline): Conflicting classifications of pathogenicity. Review status: criteria provided, conflicting classifications (1 of 4 stars). 4 submissions from 4 submitters: Uncertain significance (3); Likely benign (1). Last evaluated 2026-08-06.

Conditions:
Aortic aneurysm, familial thoracic 7 (AAT7). Also called: AORTIC DISSECTION, FAMILIAL, WITH OR WITHOUT AORTIC ANEURYSM. Identifiers: MedGen C3151077, MONDO:0013418, OMIM 613780.
Familial thoracic aortic aneurysm and aortic dissection (TAAD). Also called: Thoracic aortic aneurysms and dissections. Identifiers: Orphanet 91387, MedGen C4707243, MONDO:0019625.
Megacystis-microcolon-intestinal hypoperistalsis syndrome 1. Identifiers: MedGen C5542316, MONDO:0100354, OMIM 249210.

Allele frequency attached by ClinVar (database versions not stated): ExAC 0.00001; ESP Exome Variant Server 0.00008; gnomAD exomes 0.00001; TOPMed 0.00003; gnomAD 0.00005 and 0.00004.
gnomAD v4.1: 47 of 1,614,076 alleles (0.0029%); highest among the groups gnomAD compares: African/African-American, 0.0053%; no homozygotes.

Submissions (4):

GeneDx
Classification: Uncertain significance. Last evaluated: 2026-08-06. Review status: criteria provided, single submitter. Criteria: GeneDx Variant Classification Process June 2021. Collection method: clinical testing. Allele origin: germline.
Comment: Has not been previously published as pathogenic or benign to our knowledge; Not observed at significant frequency in large population cohorts (gnomAD); In silico analysis suggests that this missense variant does not alter protein structure/function

Labcorp Genetics (formerly Invitae), Labcorp
Classification: Uncertain significance for Aortic aneurysm, familial thoracic 7. Last evaluated: 2026-01-07. Review status: criteria provided, single submitter. Criteria: Invitae Variant Classification Sherloc (09022015). Collection method: clinical testing. Allele origin: germline.
Comment: This sequence change replaces glycine, which is neutral and non-polar, with serine, which is neutral and polar, at codon 459 of the MYLK protein (p.Gly459Ser). This variant is present in population databases (rs147311651, gnomAD 0.008%). This variant has not been reported in the literature in individuals affected with MYLK-related conditions. ClinVar contains an entry for this variant (Variation ID: 520021). Invitae Evidence Modeling of protein sequence and biophysical properties (such as structural, functional, and spatial information, amino acid conservation, physicochemical variation, residue mobility, and thermodynamic stability) indicates that this missense variant is not expected to disrupt MYLK protein function with a negative predictive value of 95%. In summary, the available evidence is currently insufficient to determine the role of this variant in disease. Therefore, it has been classified as a Variant of Uncertain Significance.

Ambry Genetics
Classification: Likely benign for Familial thoracic aortic aneurysm and aortic dissection. Last evaluated: 2025-03-06. Review status: criteria provided, single submitter. Criteria: Ambry Variant Classification Scheme 2023. Collection method: clinical testing. Allele origin: germline.

Fulgent Genetics
Classification: Uncertain significance for Megacystis-microcolon-intestinal hypoperistalsis syndrome 1; Aortic aneurysm, familial thoracic 7. Last evaluated: 2021-08-09. Review status: criteria provided, single submitter. Criteria: ACMG Guidelines, 2015. Collection method: clinical testing. Allele origin: unknown.

NM_053025.4(MYLK):c.1375G>A (p.Gly459Ser)

Gene: MYLK (myosin light chain kinase; minus strand). Cytogenetic location: 3q21.1.
Variant type: single nucleotide variant.
Coding change: c.1375G>A on transcript NM_053025.4 (MANE Select); coding-DNA position 1375, G replaced by A.
Protein change: p.Gly459Ser; replaces glycine 459 with serine.
Molecular consequence: missense variant. On other transcripts: intron variant (2).
Genome position (GRCh38, 1-based): chr3:123,733,037, C>T on the plus strand (G>A on the coding strand, the complement: MYLK is on the minus strand). VCF-style: chr3-123733037-C-T. GRCh37 (hg19) VCF-style: chr3-123451884-C-T.
Other names: c.1375G>A, p.Gly459Ser (NM_053027.4); c.1309+650G>A (NM_053028.4, NM_053026.4); c.847G>A, p.Gly283Ser (NM_001321309.2); short protein forms G459S, G283S.
Identifiers: ClinVar variation 520021 (VCV000520021.18), dbSNP rs147311651, ClinGen allele CA067046.